The following is an entry in ClinVar:

NM_001330078.2(NRXN1):c.472C>A (p.Leu158Met)

Gene: NRXN1 (neurexin 1; minus strand). Cytogenetic location: 2p16.3.
Variant type: single nucleotide variant.
Coding change: c.472C>A on transcript NM_001330078.2 (MANE Select); coding-DNA position 472, C replaced by A.
Protein change: p.Leu158Met; replaces leucine 158 with methionine.
Molecular consequence: missense variant.
Genome position (GRCh38, 1-based): chr2:51,027,802, G>T on the plus strand (C>A on the coding strand, the complement: NRXN1 is on the minus strand). VCF-style: chr2-51027802-G-T. GRCh37 (hg19) VCF-style: chr2-51254940-G-T.
Other names: c.472C>A, p.Leu158Met (NM_001330079.2, NM_001330081.2, NM_001330082.2 and 15 more transcripts); short protein forms L158M.
Identifiers: ClinVar variation 2145247 (VCV002145247.4), dbSNP rs2105329895, ClinGen allele CA346823925.

ClinVar aggregate classification (germline): Uncertain significance (1 of 4 stars; one submission).

Conditions:
Pitt-Hopkins-like syndrome 2 (PTHSL2). Identifiers: Orphanet 221150, Orphanet 600663, MedGen C3280479, MONDO:0013690, OMIM 614325.

Submission:

Labcorp Genetics (formerly Invitae), Labcorp
Classification: Uncertain significance for Pitt-Hopkins-like syndrome 2. Last evaluated: 2025-10-01. Review status: criteria provided, single submitter. Criteria: Invitae Variant Classification Sherloc (09022015). Collection method: clinical testing. Allele origin: germline.
Comment: This sequence change replaces leucine, which is neutral and non-polar, with methionine, which is neutral and non-polar, at codon 158 of the NRXN1 protein (p.Leu158Met). This variant is not present in population databases (gnomAD no frequency). This variant has not been reported in the literature in individuals affected with NRXN1-related conditions. ClinVar contains an entry for this variant (Variation ID: 2145247). An algorithm developed to predict the effect of missense changes on protein structure and function (PolyPhen-2) suggests that this variant is likely to be tolerated. In summary, the available evidence is currently insufficient to determine the role of this variant in disease. Therefore, it has been classified as a Variant of Uncertain Significance.